The following is an entry in ClinVar:

NM_005120.3(MED12):c.4516C>G (p.Gln1506Glu)

Gene: MED12 (mediator complex subunit 12; plus strand). Cytogenetic location: Xq13.1.
Variant type: single nucleotide variant.
Coding change: c.4516C>G on transcript NM_005120.3 (MANE Select); coding-DNA position 4516, C replaced by G.
Protein change: p.Gln1506Glu; replaces glutamine 1506 with glutamic acid.
Molecular consequence: missense variant.
Genome position (GRCh38, 1-based): chrX:71,132,945, C>G. VCF-style: chrX-71132945-C-G. GRCh37 (hg19) VCF-style: chrX-70352795-C-G.
Other names: short protein forms Q1506E.
Identifiers: ClinVar variation 1708336 (VCV001708336.3), dbSNP rs2519702564, ClinGen allele CA413528356.

ClinVar aggregate classification (germline): Conflicting classifications of pathogenicity. Review status: criteria provided, conflicting classifications (1 of 4 stars). 2 submissions from 2 submitters: Likely pathogenic (1); Uncertain significance (1). Last evaluated 2021-09-28.

Conditions:
FG syndrome 1 (OKS). Also called: KELLER SYNDROME; MENTAL RETARDATION, LARGE HEAD, IMPERFORATE ANUS, CONGENITAL HYPOTONIA, AND PARTIAL AGENESIS OF CORPUS CALLOSUM; FG Syndrome Type 1 (FGS1); OPITZ-KAVEGGIA SYNDROME. Identifiers: Orphanet 93932, MedGen C5399762, MONDO:0010590, OMIM 305450.

Submissions (2):

Centre of Medical Genetics, University Hospital Muenster
Classification: Likely pathogenic. Last evaluated: 2021-09-28. Review status: criteria provided, single submitter. Criteria: ACMG Guidelines, 2015. Collection method: clinical testing. Allele origin: unknown. Affected: yes. Observed: 1 variant allele, 1 heterozygote.
Comment: ACMG categories: PS5,PM1,PM2,PP3

Daryl Scott Lab, Baylor College of Medicine
Classification: Uncertain significance for FG syndrome 1. Review status: criteria provided, single submitter. Criteria: ACMG Guidelines, 2015. Collection method: clinical testing. Allele origin: unknown. Affected: yes. Observed: 1 heterozygote.
Comment: PM2, PP3